The following is an entry in ClinVar:

ClinVar aggregate classification (germline): Benign (1 of 4 stars; one submission).

Allele frequency attached by ClinVar (database versions not stated): 1000 Genomes Project 0.11182; 1000 Genomes Project 30x 0.11399; TOPMed 0.16701; gnomAD 0.16810.
gnomAD v4.1: 131,110 of 774,616 alleles (17%); highest among the groups gnomAD compares: Middle Eastern, 21%; 12,447 homozygotes.

Submission:

GeneDx
Classification: Benign. Last evaluated: 2018-06-19. Review status: criteria provided, single submitter. Criteria: GeneDx Variant Classification (06012015). Collection method: clinical testing. Allele origin: germline. Affected: yes.
Comment: This variant is considered likely benign or benign based on one or more of the following criteria: it is a conservative change, it occurs at a poorly conserved position in the protein, it is predicted to be benign by multiple in silico algorithms, and/or has population frequency not consistent with disease.

NM_001182.5(ALDH7A1):c.1093+123G>A

Gene: ALDH7A1 (aldehyde dehydrogenase 7 family member A1; minus strand). Cytogenetic location: 5q23.2.
Variant type: single nucleotide variant.
Coding change: c.1093+123G>A on transcript NM_001182.5 (MANE Select); 123 bases into the intron after coding-DNA position 1093, G replaced by A.
Molecular consequence: intron variant.
Genome position (GRCh38, 1-based): chr5:126,555,808, C>T on the plus strand (G>A on the coding strand, the complement: ALDH7A1 is on the minus strand). VCF-style: chr5-126555808-C-T. GRCh37 (hg19) VCF-style: chr5-125891500-C-T.
Other names: c.1008+3432G>A (NM_001202404.2); c.1009+123G>A (NM_001201377.2).
Identifiers: ClinVar variation 680036 (VCV000680036.1), dbSNP rs62391521, ClinGen allele CA12009614.